The following is an entry in ClinVar:

NM_000548.5(TSC2):c.3443A>T (p.Gln1148Leu)

Gene: TSC2 (TSC complex subunit 2; plus strand). Cytogenetic location: 16p13.3.
Variant type: single nucleotide variant.
Coding change: c.3443A>T on transcript NM_000548.5 (MANE Select); coding-DNA position 3443, A replaced by T.
Protein change: p.Gln1148Leu; replaces glutamine 1148 with leucine.
Molecular consequence: missense variant. On other transcripts: non-coding transcript variant (5).
Genome position (GRCh38, 1-based): chr16:2,080,210, A>T. VCF-style: chr16-2080210-A-T. GRCh37 (hg19) VCF-style: chr16-2130211-A-T.
Other names: c.3164A>T, p.Gln1055Leu (NM_001406679.1); c.2843A>T, p.Gln948Leu (NM_001406680.1, NM_001406682.1, NM_001406683.1); c.2852A>T, p.Gln951Leu (NM_001406681.1); c.2840A>T, p.Gln947Leu (NM_001406684.1); c.2714A>T, p.Gln905Leu (NM_001406685.1, NM_001406686.1); c.2711A>T, p.Gln904Leu (NM_001406687.1, NM_001406688.1, NM_001318831.2); c.3311A>T, p.Gln1104Leu (NM_001077183.3, NM_001370404.1, NM_001406665.1); c.3443A>T, p.Gln1148Leu (NM_001114382.3); and 18 more; short protein forms Q1068L, Q1098L, Q1104L, Q1111L, Q570L, Q657L, Q948L, Q1099L.
Identifiers: ClinVar variation 3022288 (VCV003022288.4), dbSNP rs1217539900, ClinGen allele CA394288708.

ClinVar aggregate classification (germline): Uncertain significance. Review status: criteria provided, multiple submitters, no conflicts (2 of 4 stars). 2 submissions from 2 submitters: Uncertain significance (2). Last evaluated 2025-12-15.

Conditions:
Tuberous sclerosis 2 (TSC2). Identifiers: Orphanet 805, MedGen C1860707, MONDO:0013199, OMIM 613254.
Hereditary cancer-predisposing syndrome. Also called: Hereditary Cancer Syndrome; Tumor predisposition; Hereditary neoplastic syndrome; Neoplastic Syndromes, Hereditary. Identifiers: Orphanet 140162, MedGen C0027672, MeSH D009386, MONDO:0015356.

Submissions (2):

Labcorp Genetics (formerly Invitae), Labcorp
Classification: Uncertain significance for Tuberous sclerosis 2. Last evaluated: 2025-12-15. Review status: criteria provided, single submitter. Criteria: Invitae Variant Classification Sherloc (09022015). Collection method: clinical testing. Allele origin: germline.
Comment: This sequence change replaces glutamine, which is neutral and polar, with leucine, which is neutral and non-polar, at codon 1148 of the TSC2 protein (p.Gln1148Leu). This variant is not present in population databases (gnomAD no frequency). This variant has not been reported in the literature in individuals affected with TSC2-related conditions. ClinVar contains an entry for this variant (Variation ID: 3022288). Invitae Evidence Modeling of protein sequence and biophysical properties (such as structural, functional, and spatial information, amino acid conservation, physicochemical variation, residue mobility, and thermodynamic stability) indicates that this missense variant is not expected to disrupt TSC2 protein function with a negative predictive value of 95%. In summary, the available evidence is currently insufficient to determine the role of this variant in disease. Therefore, it has been classified as a Variant of Uncertain Significance.

Ambry Genetics
Classification: Uncertain significance for Hereditary cancer-predisposing syndrome. Last evaluated: 2024-07-03. Review status: criteria provided, single submitter. Criteria: Ambry Variant Classification Scheme 2023. Collection method: clinical testing. Allele origin: germline.
Comment: The p.Q1148L variant (also known as c.3443A>T), located in coding exon 29 of the TSC2 gene, results from an A to T substitution at nucleotide position 3443. The glutamine at codon 1148 is replaced by leucine, an amino acid with dissimilar properties. This amino acid position is conserved. In addition, this alteration is predicted to be tolerated by in silico analysis. Based on the available evidence, the clinical significance of this variant remains unclear.